The following is an entry in ClinVar:

ClinVar aggregate classification (germline): Uncertain significance (1 of 4 stars; one submission).

Conditions:
Spastic paraplegia. Identifiers: MedGen C0037772, HP:0001258.

Submission:

Labcorp Genetics (formerly Invitae), Labcorp
Classification: Uncertain significance for Spastic paraplegia. Last evaluated: 2024-01-13. Review status: criteria provided, single submitter. Criteria: Invitae Variant Classification Sherloc (09022015). Collection method: clinical testing. Allele origin: germline.
Comment: This sequence change replaces isoleucine, which is neutral and non-polar, with valine, which is neutral and non-polar, at codon 33 of the KIF5A protein (p.Ile33Val). This variant is not present in population databases (gnomAD no frequency). This variant has not been reported in the literature in individuals affected with KIF5A-related conditions. Advanced modeling of protein sequence and biophysical properties (such as structural, functional, and spatial information, amino acid conservation, physicochemical variation, residue mobility, and thermodynamic stability) performed at Invitae indicates that this missense variant is not expected to disrupt KIF5A protein function with a negative predictive value of 95%. In summary, the available evidence is currently insufficient to determine the role of this variant in disease. Therefore, it has been classified as a Variant of Uncertain Significance.

NM_004984.4(KIF5A):c.97A>G (p.Ile33Val)

Gene: KIF5A (kinesin family member 5A; plus strand). Cytogenetic location: 12q13.3.
Variant type: single nucleotide variant.
Coding change: c.97A>G on transcript NM_004984.4 (MANE Select); coding-DNA position 97, A replaced by G.
Protein change: p.Ile33Val; replaces isoleucine 33 with valine.
Molecular consequence: missense variant.
Genome position (GRCh38, 1-based): chr12:57,550,368, A>G. VCF-style: chr12-57550368-A-G. GRCh37 (hg19) VCF-style: chr12-57944151-A-G.
Other names: c.97A>G, p.Ile33Val (NM_001354705.2); short protein forms I33V.
Identifiers: ClinVar variation 2791945 (VCV002791945.3), dbSNP rs540463538, ClinGen allele CA385496245.